The following is an entry in ClinVar:

NM_004369.4(COL6A3):c.5796_5797del (p.Tyr1933fs)

Gene: COL6A3 (collagen type VI alpha 3 chain; minus strand). Cytogenetic location: 2q37.3.
Variant type: Deletion.
Coding change: c.5796_5797del on transcript NM_004369.4 (MANE Select); coding-DNA positions 5796 to 5797, 2 bases deleted (CT; older notation c.5796_5797delCT).
Protein change: p.Tyr1933fs; shifts the reading frame from tyrosine 1933.
Molecular consequence: frameshift variant.
Genome position (GRCh38, 1-based): chr2:237,365,739-237,365,740, AG deleted on the plus strand (CT on the coding strand, the reverse complement: COL6A3 is on the minus strand); deleting any 2 consecutive bases within chr2:237,365,739-237,365,741 gives the same sequence; the c. name uses the placement nearest the transcript's 3' end. VCF-style (leftmost placement, unchanged base first): chr2-237365738-TAG-T. GRCh37 (hg19) VCF-style: chr2-238274381-TAG-T.
Other names: c.3975_3976del, p.Tyr1326fs (NM_057166.5); c.5178_5179del, p.Tyr1727fs (NM_057167.4); short protein forms Y1727fs, Y1933fs, Y1326fs.
Identifiers: ClinVar variation 4718605 (VCV004718605.1).

ClinVar aggregate classification (germline): Pathogenic (1 of 4 stars; one submission).

Conditions:
Bethlem myopathy 1A. Also called: MYOPATHY, BENIGN CONGENITAL, WITH CONTRACTURES; Bethlem myopathy 1; Bethlem Muscular Dystrophy. Identifiers: Orphanet 610, MedGen CN029274, MONDO:0024530, OMIM 158810.

Submission:

Labcorp Genetics (formerly Invitae), Labcorp
Classification: Pathogenic for Bethlem myopathy 1A. Last evaluated: 2025-04-29. Review status: criteria provided, single submitter. Criteria: Invitae Variant Classification Sherloc (09022015). Collection method: clinical testing. Allele origin: germline.
Comment: This sequence change creates a premature translational stop signal (p.Tyr1933Profs*20) in the COL6A3 gene. It is expected to result in an absent or disrupted protein product. Loss-of-function variants in COL6A3 are known to be pathogenic (PMID: 26004199). This variant is not present in population databases (gnomAD no frequency). This variant has not been reported in the literature in individuals affected with COL6A3-related conditions. Algorithms developed to predict the effect of sequence changes on RNA splicing suggest that this variant may disrupt the consensus splice site. For these reasons, this variant has been classified as Pathogenic.

Literature cited by the submitters: PubMed 26004199.